The following is an entry in ClinVar:

NM_000038.6(APC):c.2898T>C (p.Ser966=)

Gene: APC (APC regulator of Wnt signaling pathway; plus strand). Cytogenetic location: 5q22.2.
Variant type: single nucleotide variant.
Coding change: c.2898T>C on transcript NM_000038.6 (MANE Select); coding-DNA position 2898, T replaced by C.
Protein change: p.Ser966=; no amino-acid change (serine 966 retained).
Molecular consequence: synonymous variant.
Genome position (GRCh38, 1-based): chr5:112,838,492, T>C. VCF-style: chr5-112838492-T-C. GRCh37 (hg19) VCF-style: chr5-112174189-T-C.
Other names: c.2898T>C, p.Ser966= (NM_001127510.3, NM_001354895.2); c.2844T>C, p.Ser948= (NM_001127511.3); c.2952T>C, p.Ser984= (NM_001354896.2); c.2928T>C, p.Ser976= (NM_001354897.2); c.2823T>C, p.Ser941= (NM_001354898.2); c.2814T>C, p.Ser938= (NM_001354899.2); c.2775T>C, p.Ser925= (NM_001354900.2); c.2721T>C, p.Ser907= (NM_001354901.2); and 5 more.
Identifiers: ClinVar variation 233694 (VCV000233694.17), dbSNP rs876660579, ClinGen allele CA10578346.
Genomic context (GRCh38, chr5:112,838,492, plus strand): 5'-ATGTTCTATGCCTTATGCCAAATTAGAATACAAGAGATCTTCAAATGATAGTTTAAATAG[T>C]GTCAGTAGTAGTGATGGTTATGGTAAAAGAGGTCAAATGAAACCCTCGATTGAATCCTAT-3'
Protein context (NP_000029.2, residues 956-976): YKRSSNDSLN[Ser966=]VSSSDGYGKR

ClinVar aggregate classification (germline): Benign/Likely benign. Review status: criteria provided, multiple submitters, no conflicts (2 of 4 stars). 4 submissions from 4 submitters: Benign (1); Likely benign (3). Last evaluated 2025-01-29.

Conditions:
Familial adenomatous polyposis 1 (FAP1). Also called: FAMILIAL ADENOMATOUS POLYPOSIS 1, ATTENUATED; POLYPOSIS, ADENOMATOUS INTESTINAL. Identifiers: MedGen C2713442, MONDO:0021056, OMIM 175100. Disease mechanism: loss of function.
Hereditary cancer-predisposing syndrome. Also called: Neoplastic Syndromes, Hereditary; Tumor predisposition; Hereditary Cancer Syndrome; Hereditary neoplastic syndrome. Identifiers: Orphanet 140162, MedGen C0027672, MeSH D009386, MONDO:0015356.

Allele frequency attached by ClinVar (database versions not stated): gnomAD exomes 0.00001.
gnomAD v4.1: 9 of 1,614,180 alleles (0.00056%); highest among the groups gnomAD compares: Non-Finnish European, 0.00068%; no homozygotes.

Submissions (4):

Labcorp Genetics (formerly Invitae), Labcorp
Classification: Likely benign for Familial adenomatous polyposis 1. Last evaluated: 2025-01-29. Review status: criteria provided, single submitter. Criteria: Invitae Variant Classification Sherloc (09022015). Collection method: clinical testing. Allele origin: germline.

Myriad Genetics, Inc.
Classification: Benign for Familial adenomatous polyposis 1. Last evaluated: 2024-03-15. Review status: criteria provided, single submitter. Criteria: Myriad Autosomal Dominant, Autosomal Recessive and X-Linked Classification Criteria (2023). Collection method: clinical testing. Allele origin: unknown.
Comment: This variant is considered benign. This variant is a silent/synonymous amino acid change and it is not expected to impact splicing.

Color Diagnostics, LLC DBA Color Health
Classification: Likely benign for Hereditary cancer-predisposing syndrome. Last evaluated: 2018-11-26. Review status: criteria provided, single submitter. Criteria: ACMG Guidelines, 2015. Collection method: clinical testing. Allele origin: germline.

Ambry Genetics
Classification: Likely benign for Hereditary cancer-predisposing syndrome. Last evaluated: 2015-08-26. Review status: criteria provided, single submitter. Criteria: Ambry Variant Classification Scheme 2023. Collection method: clinical testing. Allele origin: germline.